The following is an entry in ClinVar:

NM_001330260.2(SCN8A):c.3530A>G (p.Glu1177Gly)

Gene: SCN8A (sodium voltage-gated channel alpha subunit 8; plus strand). Cytogenetic location: 12q13.13.
Variant type: single nucleotide variant.
Coding change: c.3530A>G on transcript NM_001330260.2 (MANE Select); coding-DNA position 3530, A replaced by G.
Protein change: p.Glu1177Gly; replaces glutamic acid 1177 with glycine.
Molecular consequence: missense variant.
Genome position (GRCh38, 1-based): chr12:51,770,568, A>G. VCF-style: chr12-51770568-A-G. GRCh37 (hg19) VCF-style: chr12-52164352-A-G.
Other names: c.3530A>G (NM_014191.2); c.3530A>G, p.Glu1177Gly (NM_001177984.3, NM_001369788.1, NM_014191.4); short protein forms E1177G.
Identifiers: ClinVar variation 958779 (VCV000958779.12), dbSNP rs560509683, ClinGen allele CA6571632.

ClinVar aggregate classification (germline): Uncertain significance. Review status: criteria provided, multiple submitters, no conflicts (2 of 4 stars). 2 submissions from 2 submitters: Uncertain significance (2). Last evaluated 2025-01-11.

Conditions:
Early-infantile DEE. Also called: Early infantile epileptic encephalopathy; Ohtahara syndrome; Early infantile epileptic encephalopathy with suppression bursts. Identifiers: Orphanet 1934, MedGen C0393706, MONDO:0800491.
Inborn genetic diseases. Identifiers: MedGen C0950123, MeSH D030342.

Allele frequency attached by ClinVar (database versions not stated): gnomAD exomes below 0.00001; ExAC 0.00001; TOPMed 0.00002; gnomAD 0.00004; 1000 Genomes Project 30x 0.00016; 1000 Genomes Project 0.00020.
gnomAD v4.1: 11 of 1,613,258 alleles (0.00068%); highest among the groups gnomAD compares: African/African-American, 0.013%; no homozygotes.

Submissions (2):

Labcorp Genetics (formerly Invitae), Labcorp
Classification: Uncertain significance for Early-infantile DEE. Last evaluated: 2025-01-11. Review status: criteria provided, single submitter. Criteria: Invitae Variant Classification Sherloc (09022015). Collection method: clinical testing. Allele origin: germline.
Comment: This sequence change replaces glutamic acid, which is acidic and polar, with glycine, which is neutral and non-polar, at codon 1177 of the SCN8A protein (p.Glu1177Gly). This variant is present in population databases (rs560509683, gnomAD 0.02%). This variant has not been reported in the literature in individuals affected with SCN8A-related conditions. ClinVar contains an entry for this variant (Variation ID: 958779). Invitae Evidence Modeling of protein sequence and biophysical properties (such as structural, functional, and spatial information, amino acid conservation, physicochemical variation, residue mobility, and thermodynamic stability) indicates that this missense variant is not expected to disrupt SCN8A protein function with a negative predictive value of 95%. In summary, the available evidence is currently insufficient to determine the role of this variant in disease. Therefore, it has been classified as a Variant of Uncertain Significance.

Ambry Genetics
Classification: Uncertain significance for Inborn genetic diseases. Last evaluated: 2021-05-24. Review status: criteria provided, single submitter. Criteria: Ambry Variant Classification Scheme 2023. Collection method: clinical testing. Allele origin: germline.